The following is an entry in ClinVar:

ClinVar aggregate classification (germline): Uncertain significance. Review status: criteria provided, multiple submitters, no conflicts (2 of 4 stars). 3 submissions from 2 submitters: Uncertain significance (3). Last evaluated 2024-03-07.

Conditions:
Myelodysplastic syndrome (MDS). Also called: Myelodysplastic syndromes; MYELODYSPLASTIC SYNDROME, SUSCEPTIBILITY TO; Myelodysplastic syndrome, somatic. Identifiers: Orphanet 52688, MedGen C3463824, MeSH D009190, MONDO:0018881, OMIM 614286.
Bohring-Opitz syndrome. Also called: BOHRING SYNDROME; OPITZ TRIGONOCEPHALY-LIKE SYNDROME; ASXL1-Related Bohring-Opitz Syndrome; C-LIKE SYNDROME. Identifiers: Orphanet 97297, MedGen C0796232, MONDO:0011510, OMIM 605039.

Submissions (3):

Labcorp Genetics (formerly Invitae), Labcorp
Classification: Uncertain significance. Last evaluated: 2024-03-07. Review status: criteria provided, single submitter. Criteria: Invitae Variant Classification Sherloc (09022015). Collection method: clinical testing. Allele origin: germline.
Comment: This variant, c.4112_4114del, results in the deletion of 1 amino acid(s) of the ASXL1 protein (p.Lys1371del), but otherwise preserves the integrity of the reading frame. This variant is present in population databases (rs752856195, gnomAD 0.03%). This variant has not been reported in the literature in individuals affected with ASXL1-related conditions. ClinVar contains an entry for this variant (Variation ID: 548554). In summary, the available evidence is currently insufficient to determine the role of this variant in disease. Therefore, it has been classified as a Variant of Uncertain Significance.

Genomic Research Center, Shahid Beheshti University of Medical Sciences
Classification: Uncertain significance for Myelodysplastic syndrome. Last evaluated: 2018-03-05. Review status: criteria provided, single submitter. Criteria: ACMG Guidelines, 2015. Collection method: clinical testing. Allele origin: inherited. Affected: yes. Observed: 1 variant allele.

Genomic Research Center, Shahid Beheshti University of Medical Sciences
Classification: Uncertain significance for Bohring-Opitz syndrome. Last evaluated: 2018-03-05. Review status: criteria provided, single submitter. Criteria: ACMG Guidelines, 2015. Collection method: clinical testing. Allele origin: inherited. Affected: yes. Observed: 1 variant allele.

NM_015338.6(ASXL1):c.4109AGA[1] (p.Lys1371del)

Gene: ASXL1 (ASXL transcriptional regulator 1; plus strand). Cytogenetic location: 20q11.21.
Variant type: Microsatellite.
Coding change: c.4109AGA[1] on transcript NM_015338.6 (MANE Select); one copy of the 3-base unit AGA starting at c.4109; the reference has two copies in a row; one copy, 3 bases deleted.
Protein change: p.Lys1371del; deletes lysine 1371.
Molecular consequence: inframe deletion.
Genome position (GRCh38, 1-based): chr20:32,436,824-32,436,826, AGA deleted; deleting any 3 consecutive bases within chr20:32,436,821-32,436,826 gives the same sequence; the position shown is the placement nearest the transcript's 3' end. VCF-style (leftmost placement, unchanged base first): chr20-32436820-GAGA-G. GRCh37 (hg19) VCF-style: chr20-31024623-GAGA-G.
Other names: c.4112_4114delAGA (NM_015338.5); c.3926AGA[1], p.Lys1310del (NM_001363734.1); short protein forms K1371del, K1310del.
Identifiers: ClinVar variation 548554 (VCV000548554.10), dbSNP rs752856195, ClinGen allele CA9808965.